The following is an entry in ClinVar:

NM_001042492.3(NF1):c.888+2T>G

Gene: NF1 (neurofibromin 1; plus strand). Cytogenetic location: 17q11.2.
Variant type: single nucleotide variant.
Coding change: c.888+2T>G on transcript NM_001042492.3 (MANE Select); the canonical splice donor site of the intron after coding-DNA position 888, T replaced by G.
Molecular consequence: splice donor variant.
Genome position (GRCh38, 1-based): chr17:31,182,667, T>G. VCF-style: chr17-31182667-T-G. GRCh37 (hg19) VCF-style: chr17-29509685-T-G.
Other names: c.888+2T>G (NM_000267.4, NM_001128147.3).
Identifiers: ClinVar variation 951075 (VCV000951075.9), dbSNP rs2066160116, ClinGen allele CA398991325.

ClinVar aggregate classification (germline): Pathogenic. Review status: criteria provided, multiple submitters, no conflicts (2 of 4 stars). 4 submissions from 4 submitters: Pathogenic (3). 1 of the submissions does not count toward it. Last evaluated 2025-02-19.

Conditions:
Neurofibromatosis, type 1 (NF1). Also called: VON RECKLINGHAUSEN DISEASE; NEUROFIBROMATOSIS, TYPE I, SOMATIC; Peripheral type neurofibromatosis; Neurofibromatosis, type I. Identifiers: Orphanet 636, MedGen C0027831, MONDO:0018975, OMIM 162200. Disease mechanism: loss of function.
Café-au-lait macules with pulmonary stenosis (WTSN). Also called: PULMONIC STENOSIS WITH CAFE-AU-LAIT SPOTS. Identifiers: MedGen C0553586, MONDO:0008672, OMIM 193520.

Submissions (4):

Labcorp Genetics (formerly Invitae), Labcorp
Classification: Pathogenic for Neurofibromatosis, type 1. Last evaluated: 2025-02-19. Review status: criteria provided, single submitter. Criteria: Invitae Variant Classification Sherloc (09022015). Collection method: clinical testing. Allele origin: germline.
Comment: This sequence change affects a donor splice site in intron 8 of the NF1 gene. It is expected to disrupt RNA splicing. Variants that disrupt the donor or acceptor splice site typically lead to a loss of protein function (PMID: 16199547), and loss-of-function variants in NF1 are known to be pathogenic (PMID: 10712197, 23913538). This variant is not present in population databases (gnomAD no frequency). Disruption of this splice site has been observed in individuals with neurofibromatosis type 1 (PMID: 10712197, 20844836). ClinVar contains an entry for this variant (Variation ID: 951075). Algorithms developed to predict the effect of sequence changes on RNA splicing suggest that this variant may disrupt the consensus splice site. For these reasons, this variant has been classified as Pathogenic.

NHS Central & South Genomic Laboratory Hub
Classification: Pathogenic for Neurofibromatosis type 1. Last evaluated: 2024-11-11. Review status: criteria provided, single submitter. Criteria: ACMG Guidelines, 2015. Collection method: clinical testing. Allele origin: germline. Affected: yes.

GeneDx
Classification: Pathogenic. Last evaluated: 2023-05-04. Review status: criteria provided, single submitter. Criteria: GeneDx Variant Classification Process June 2021. Collection method: clinical testing. Allele origin: germline. Affected: yes.
Comment: Canonical splice site variant predicted to result in a null allele in a gene for which loss of function is a known mechanism of disease; Not observed at significant frequency in large population cohorts (gnomAD); This variant is associated with the following publications: (PMID: 34580403, 10712197, 23913538, 20844836, 34439371)

Pediatric Genetics Clinic, Sheba Medical Center
Classification: Pathogenic for Café-au-lait macules with pulmonary stenosis. Last evaluated: 2021-05-13. Review status: no assertion criteria provided. Collection method: clinical testing. Allele origin: de novo. Affected: yes. Observed: 1 heterozygote. Not counted in ClinVar's aggregate classification.

Literature cited by the submitters: PubMed 16199547 (cited by Labcorp Genetics (formerly Invitae), Labcorp); PubMed 10712197 (cited by Labcorp Genetics (formerly Invitae), Labcorp); PubMed 23913538 (cited by Labcorp Genetics (formerly Invitae), Labcorp); PubMed 20844836 (cited by Labcorp Genetics (formerly Invitae), Labcorp).